The following is an entry in ClinVar:

ClinVar aggregate classification (germline): Conflicting classifications of pathogenicity. Review status: criteria provided, conflicting classifications (1 of 4 stars). 4 submissions from 4 submitters: Uncertain significance (1); Likely benign (3). Last evaluated 2025-09-12.

Conditions:
Cardiovascular phenotype. Identifiers: MedGen CN230736.
Cardiomyopathy (CMYO). Also called: Cardiomyopathies. Identifiers: Orphanet 167848, MedGen C0878544, MONDO:0004994, HP:0001638. Inheritance: Various modes of inheritance.
RBM20-related disorder. Also called: RBM20-related condition.
Dilated cardiomyopathy 1DD (CMD1DD). Identifiers: Orphanet 154, MedGen C2750995, MONDO:0013168, OMIM 613172.

Allele frequency attached by ClinVar (database versions not stated): gnomAD exomes 0.00001; TOPMed 0.00001; gnomAD 0.00003 and 0.00004.
gnomAD v4.1: 25 of 1,551,972 alleles (0.0016%); highest among the groups gnomAD compares: African/African-American, 0.0027%; no homozygotes.

Submissions (4):

PreventionGenetics, part of Exact Sciences
Classification: Likely benign for RBM20-related condition. Last evaluated: 2025-09-12. Review status: criteria provided, single submitter. Criteria: ACMG Guidelines, 2015. Collection method: clinical testing. Allele origin: germline.
Comment: This variant is classified as likely benign based on ACMG/AMP sequence variant interpretation guidelines (Richards et al. 2015 PMID: 25741868, with internal and published modifications).

Labcorp Genetics (formerly Invitae), Labcorp
Classification: Likely benign for Dilated cardiomyopathy 1DD. Last evaluated: 2025-06-20. Review status: criteria provided, single submitter. Criteria: Invitae Variant Classification Sherloc (09022015). Collection method: clinical testing. Allele origin: germline.

Ambry Genetics
Classification: Likely benign for Cardiovascular phenotype. Last evaluated: 2022-06-02. Review status: criteria provided, single submitter. Criteria: Ambry Variant Classification Scheme 2023. Collection method: clinical testing. Allele origin: germline.

CHEO Genetics Diagnostic Laboratory, Children's Hospital of Eastern Ontario
Classification: Uncertain significance for Cardiomyopathy. Last evaluated: 2020-07-17. Review status: criteria provided, single submitter. Criteria: ACMG Guidelines, 2015. Collection method: clinical testing. Allele origin: germline.

NM_001134363.3(RBM20):c.1767G>T (p.Arg589=)

Gene: RBM20 (RNA binding motif protein 20; plus strand). Cytogenetic location: 10q25.2.
Variant type: single nucleotide variant.
Coding change: c.1767G>T on transcript NM_001134363.3 (MANE Select); coding-DNA position 1767, G replaced by T.
Protein change: p.Arg589=; no amino-acid change (arginine 589 retained).
Molecular consequence: synonymous variant.
Genome position (GRCh38, 1-based): chr10:110,799,885, G>T. VCF-style: chr10-110799885-G-T. GRCh37 (hg19) VCF-style: chr10-112559643-G-T.
Identifiers: ClinVar variation 538034 (VCV000538034.15), dbSNP rs929489764, ClinGen allele CA213247229.